The following is an entry in ClinVar:

NM_001372.4(DNAH9):c.9339G>T (p.Val3113=)

Gene: DNAH9 (dynein axonemal heavy chain 9; plus strand). Cytogenetic location: 17p12.
Variant type: single nucleotide variant.
Coding change: c.9339G>T on transcript NM_001372.4 (MANE Select); coding-DNA position 9339, G replaced by T.
Protein change: p.Val3113=; no amino-acid change (valine 3113 retained).
Molecular consequence: synonymous variant.
Genome position (GRCh38, 1-based): chr17:11,834,730, G>T. VCF-style: chr17-11834730-G-T. GRCh37 (hg19) VCF-style: chr17-11738047-G-T.
Identifiers: ClinVar variation 3052760 (VCV003052760.3), dbSNP rs547063565, ClinGen allele CA497879407.
Genomic context (GRCh38, chr17:11,834,730, plus strand): 5'-GGAAGTAGAGCTGAAGCAGAAAAATGAAGATGCAGACAAACTGATTCAGGTCGTGGGTGT[G>T]GAGACTGACAAAGTGAGCAGAGAGAAAGCCATGGCAGATGAAGAGGAGCAGAAGGTGGCC-3'
Protein context (NP_001363.2, residues 3103-3123): DADKLIQVVG[Val3113=]ETDKVSREKA

ClinVar aggregate classification (germline): Likely benign. Review status: criteria provided, single submitter (1 of 4 stars). 2 submissions from 2 submitters: Likely benign (1). 1 of the submissions does not count toward it. Last evaluated 2025-09-23.

Conditions:
DNAH9-related disorder. Also called: DNAH9-related condition.

Submissions (2):

Labcorp Genetics (formerly Invitae), Labcorp
Classification: Likely benign. Last evaluated: 2025-09-23. Review status: criteria provided, single submitter. Criteria: Invitae Variant Classification Sherloc (09022015). Collection method: clinical testing. Allele origin: germline.

PreventionGenetics, part of Exact Sciences
Classification: Likely benign for DNAH9-related condition. Last evaluated: 2023-11-02. Review status: no assertion criteria provided. Collection method: clinical testing. Allele origin: germline. Not counted in ClinVar's aggregate classification.
Comment: This variant is classified as likely benign based on ACMG/AMP sequence variant interpretation guidelines (Richards et al. 2015 PMID: 25741868, with internal and published modifications).